The following is an entry in ClinVar:

NM_024420.3(PLA2G4A):c.494dup (p.Arg166fs)

Gene: PLA2G4A (phospholipase A2 group IVA; plus strand). Cytogenetic location: 1q31.1.
Variant type: Duplication.
Coding change: c.494dup on transcript NM_024420.3 (MANE Select); coding-DNA position 494, one base duplicated (T; older notation c.494dupT).
Protein change: p.Arg166fs; shifts the reading frame from arginine 166.
Molecular consequence: frameshift variant. On other transcripts: intron variant (1).
Genome position (GRCh38, 1-based): chr1:186,911,325, T duplicated. VCF-style (leftmost placement, unchanged base first): chr1-186911324-A-AT. GRCh37 (hg19) VCF-style: chr1-186880456-A-AT.
Other names: c.378+17114dup (NM_001311193.2); short protein forms R166fs.
Identifiers: ClinVar variation 807464 (VCV000807464.4), dbSNP rs1571392612, ClinGen allele CA915941948.

ClinVar aggregate classification (germline): Conflicting classifications of pathogenicity. Review status: criteria provided, conflicting classifications (1 of 4 stars). 2 submissions from 2 submitters: Pathogenic (1); Uncertain significance (1). Last evaluated 2025-11-11.

Conditions:
Cytosolic phospholipase-A2 alpha deficiency associated bleeding disorder (GURDP). Also called: GASTROINTESTINAL ULCERATION, RECURRENT, WITH DYSFUNCTIONAL PLATELETS; Deficiency of phospholipase A2, group IVA. Identifiers: Orphanet 477787, MedGen C5567651, MONDO:0018794, OMIM 618372.

Allele frequency attached by ClinVar (database versions not stated): gnomAD exomes below 0.00001.

Submissions (2):

Labcorp Genetics (formerly Invitae), Labcorp
Classification: Uncertain significance. Last evaluated: 2025-11-11. Review status: criteria provided, single submitter. Criteria: Invitae Variant Classification Sherloc (09022015). Collection method: clinical testing. Allele origin: germline.
Comment: This sequence change creates a premature translational stop signal (p.Arg166Lysfs*13) in the PLA2G4A gene. It is expected to result in an absent or disrupted protein product. However, the current clinical and genetic evidence is not sufficient to establish whether loss-of-function variants in PLA2G4A cause disease. This variant is not present in population databases (gnomAD no frequency). This variant has not been reported in the literature in individuals affected with PLA2G4A-related conditions. ClinVar contains an entry for this variant (Variation ID: 807464). In summary, the available evidence is currently insufficient to determine the role of this variant in disease. Therefore, it has been classified as a Variant of Uncertain Significance.

Institute of Human Genetics Munich, TUM University Hospital
Classification: Pathogenic for Cytosolic phospholipase-A2 alpha deficiency associated bleeding disorder. Last evaluated: 2019-06-07. Review status: criteria provided, single submitter. Criteria: Classification criteria August 2017. Collection method: clinical testing. Allele origin: germline. Inheritance: Autosomal recessive inheritance. Affected: yes. Observed: 1 homozygote.